The following is an entry in ClinVar:

ClinVar aggregate classification (germline): Pathogenic (1 of 4 stars; one submission).

Conditions:
Emery-Dreifuss muscular dystrophy 4, autosomal dominant (EDMD4). Also called: EMERY-DREIFUSS MUSCULAR DYSTROPHY 4 WITH VARIABLE FEATURES. Identifiers: Orphanet 261, MedGen C2751807, MONDO:0013071, OMIM 612998.
Autosomal recessive ataxia, Beauce type. Also called: SYNE1-Related Autosomal Recessive Cerebellar Ataxia; Spinocerebellar ataxia, autosomal recessive 8; ATAXIA, RECESSIVE, OF BEAUCE; SYNE1 Deficiency. Identifiers: Orphanet 88644, MedGen C1853116, MONDO:0012549, OMIM 610743.

Submission:

Labcorp Genetics (formerly Invitae), Labcorp
Classification: Pathogenic for Emery-Dreifuss muscular dystrophy 4, autosomal dominant; Autosomal recessive ataxia, Beauce type. Last evaluated: 2023-10-11. Review status: criteria provided, single submitter. Criteria: Invitae Variant Classification Sherloc (09022015). Collection method: clinical testing. Allele origin: germline.
Comment: This sequence change creates a premature translational stop signal (p.Leu414Serfs*40) in the SYNE1 gene. It is expected to result in an absent or disrupted protein product. Loss-of-function variants in SYNE1 are known to be pathogenic (PMID: 19542096, 24319099, 27086870). This variant is not present in population databases (gnomAD no frequency). This variant has not been reported in the literature in individuals affected with SYNE1-related conditions. ClinVar contains an entry for this variant (Variation ID: 568019). For these reasons, this variant has been classified as Pathogenic.

Literature cited by the submitters: PubMed 19542096; PubMed 24319099; PubMed 27086870.

NM_182961.4(SYNE1):c.1219_1220del (p.Leu407fs)

Gene: SYNE1 (spectrin repeat containing nuclear envelope protein 1; minus strand). Cytogenetic location: 6q25.2.
Variant type: Microsatellite.
Coding change: c.1219_1220del on transcript NM_182961.4 (MANE Select); coding-DNA positions 1219 to 1220, 2 bases deleted (CT; older notation c.1219_1220delCT).
Protein change: p.Leu407fs; shifts the reading frame from leucine 407.
Molecular consequence: frameshift variant.
Genome position (GRCh38, 1-based): chr6:152,483,215-152,483,216, AG deleted on the plus strand (CT on the coding strand, the reverse complement: SYNE1 is on the minus strand); deleting any 2 consecutive bases within chr6:152,483,215-152,483,219 gives the same sequence; the c. name uses the placement nearest the transcript's 3' end. VCF-style (leftmost placement, unchanged base first): chr6-152483214-AAG-A. GRCh37 (hg19) VCF-style: chr6-152804349-AAG-A.
Other names: c.1240_1241del, p.Leu414fs (NM_033071.5); c.1240_1241delCT (NM_033071.3); short protein forms L407fs, L414fs.
Identifiers: ClinVar variation 568019 (VCV000568019.6), dbSNP rs1564367104, ClinGen allele CA891843224.